The following is an entry in ClinVar:

NM_002439.5(MSH3):c.2442C>G (p.Phe814Leu)

Gene: MSH3 (mutS homolog 3; plus strand). Cytogenetic location: 5q14.1.
Variant type: single nucleotide variant.
Coding change: c.2442C>G on transcript NM_002439.5 (MANE Select); coding-DNA position 2442, C replaced by G.
Protein change: p.Phe814Leu; replaces phenylalanine 814 with leucine.
Molecular consequence: missense variant.
Genome position (GRCh38, 1-based): chr5:80,787,571, C>G. VCF-style: chr5-80787571-C-G. GRCh37 (hg19) VCF-style: chr5-80083390-C-G.
Other names: c.2442C>G (NM_002439.3); short protein forms F814L.
Identifiers: ClinVar variation 646148 (VCV000646148.25), dbSNP rs759094395, ClinGen allele CA3328262.

ClinVar aggregate classification (germline): Uncertain significance. Review status: criteria provided, multiple submitters, no conflicts (2 of 4 stars). 6 submissions from 6 submitters: Uncertain significance (5). 1 of the submissions does not count toward it. Last evaluated 2025-11-25.

Conditions:
MSH3-related disorder. Also called: MSH3-related condition.
Hereditary cancer-predisposing syndrome. Also called: Hereditary Cancer Syndrome; Tumor predisposition; Hereditary neoplastic syndrome; Neoplastic Syndromes, Hereditary. Identifiers: Orphanet 140162, MedGen C0027672, MeSH D009386, MONDO:0015356.
Endometrial carcinoma. Also called: Endometrial carcinoma, somatic. Identifiers: MedGen C0476089, MONDO:0002447, OMIM 608089, HP:0012114.

Allele frequency attached by ClinVar (database versions not stated): gnomAD exomes below 0.00001; ExAC 0.00001; gnomAD 0.00001; TOPMed 0.00001.
gnomAD v4.1: 13 of 1,611,864 alleles (0.00081%); highest among the groups gnomAD compares: Non-Finnish European, 0.0011%; no homozygotes.

Submissions (6):

Labcorp Genetics (formerly Invitae), Labcorp
Classification: Uncertain significance. Last evaluated: 2025-11-25. Review status: criteria provided, single submitter. Criteria: Invitae Variant Classification Sherloc (09022015). Collection method: clinical testing. Allele origin: germline.
Comment: This sequence change replaces phenylalanine, which is neutral and non-polar, with leucine, which is neutral and non-polar, at codon 814 of the MSH3 protein (p.Phe814Leu). This variant is present in population databases (rs759094395, gnomAD 0.002%). This variant has not been reported in the literature in individuals affected with MSH3-related conditions. ClinVar contains an entry for this variant (Variation ID: 646148). An algorithm developed to predict the effect of missense changes on protein structure and function (PolyPhen-2) suggests that this variant is likely to be disruptive. In summary, the available evidence is currently insufficient to determine the role of this variant in disease. Therefore, it has been classified as a Variant of Uncertain Significance.

Ambry Genetics
Classification: Uncertain significance for Hereditary cancer-predisposing syndrome. Last evaluated: 2025-05-06. Review status: criteria provided, single submitter. Criteria: Ambry Variant Classification Scheme 2023. Collection method: clinical testing. Allele origin: germline.
Comment: The p.F814L variant (also known as c.2442C>G), located in coding exon 18 of the MSH3 gene, results from a C to G substitution at nucleotide position 2442. The phenylalanine at codon 814 is replaced by leucine, an amino acid with highly similar properties. This amino acid position is highly conserved in available vertebrate species. In addition, this alteration is predicted to be deleterious by in silico analysis. Based on the available evidence, the clinical significance of this variant remains unclear.

Center for Genomic Medicine, Rigshospitalet, Copenhagen University Hospital
Classification: Uncertain significance. Last evaluated: 2025-03-04. Review status: criteria provided, single submitter. Criteria: ACMG Guidelines, 2015. Collection method: clinical testing. Allele origin: germline.

GeneDx
Classification: Uncertain significance. Last evaluated: 2024-09-24. Review status: criteria provided, single submitter. Criteria: GeneDx Variant Classification Process June 2021. Collection method: clinical testing. Allele origin: germline. Affected: yes.
Comment: Not observed at significant frequency in large population cohorts (gnomAD); In silico analysis indicates that this missense variant does not alter protein structure/function; Has not been previously published as pathogenic or benign to our knowledge; This variant is associated with the following publications: (PMID: 28002797)

Baylor Genetics
Classification: Uncertain significance for Endometrial carcinoma. Last evaluated: 2023-11-14. Review status: criteria provided, single submitter. Criteria: ACMG Guidelines, 2015. Collection method: clinical testing. Allele origin: unknown.

PreventionGenetics, part of Exact Sciences
Classification: Uncertain significance for MSH3-related condition. Last evaluated: 2024-08-27. Review status: no assertion criteria provided. Collection method: clinical testing. Allele origin: germline. Not counted in ClinVar's aggregate classification.
Comment: The MSH3 c.2442C>G variant is predicted to result in the amino acid substitution p.Phe814Leu. To our knowledge, this variant has not been reported in the literature. This variant is reported in 0.0015% of alleles in individuals of European (Non-Finnish) descent in gnomAD. This variant is interpreted as uncertain significance in ClinVar. At this time, the clinical significance of this variant is uncertain due to the absence of conclusive functional and genetic evidence.